The following is an entry in ClinVar:

ClinVar aggregate classification (germline): Conflicting classifications of pathogenicity. Review status: criteria provided, conflicting classifications (1 of 4 stars). 3 submissions from 3 submitters: Uncertain significance (2); Likely benign (1). Last evaluated 2025-03-30.

Conditions:
Branchiooculofacial syndrome (BOFS). Also called: BOF SYNDROME; HEMANGIOMATOUS BRANCHIAL CLEFTS-LIP PSEUDOCLEFT SYNDROME; LIP PSEUDOCLEFT-HEMANGIOMATOUS BRANCHIAL CYST SYNDROME; Branchio-Oculo-Facial Syndrome. Identifiers: Orphanet 1297, MedGen C0376524, MeSH D019280, MONDO:0007235, OMIM 113620.

Allele frequency attached by ClinVar (database versions not stated): gnomAD exomes 0.00001; gnomAD 0.00002; TOPMed 0.00002.
gnomAD v4.1: 21 of 1,613,112 alleles (0.0013%); highest among the groups gnomAD compares: Non-Finnish European, 0.0017%; 1 homozygote.

Submissions (3):

Labcorp Genetics (formerly Invitae), Labcorp
Classification: Likely benign. Last evaluated: 2025-03-30. Review status: criteria provided, single submitter. Criteria: Invitae Variant Classification Sherloc (09022015). Collection method: clinical testing. Allele origin: germline.

GeneDx
Classification: Uncertain significance. Last evaluated: 2024-12-31. Review status: criteria provided, single submitter. Criteria: GeneDx Variant Classification Process June 2021. Collection method: clinical testing. Allele origin: germline. Affected: yes.
Comment: Not observed at significant frequency in large population cohorts (gnomAD); Has not been previously published as pathogenic or benign to our knowledge; In silico analysis is inconclusive as to whether the variant alters gene splicing. In the absence of RNA/functional studies, the actual effect of this sequence change is unknown.

Fulgent Genetics
Classification: Uncertain significance for Branchiooculofacial syndrome. Last evaluated: 2023-12-27. Review status: criteria provided, single submitter. Criteria: ACMG Guidelines, 2015. Collection method: clinical testing. Allele origin: germline.

NM_001372066.1(TFAP2A):c.534G>A (p.Lys178=)

Genes: TFAP2A (transcription factor AP-2 alpha; minus strand), TFAP2A-AS2 (TFAP2A antisense RNA 2; plus strand). Cytogenetic location: 6p24.3.
Variant type: single nucleotide variant.
Coding change: c.534G>A on transcript NM_001372066.1 (MANE Select); coding-DNA position 534, G replaced by A.
Protein change: p.Lys178=; no amino-acid change (lysine 178 retained).
Molecular consequence: synonymous variant. On other transcripts: non-coding transcript variant (1).
Genome position (GRCh38, 1-based): chr6:10,406,797, C>T on the plus strand (G>A on the coding strand, the complement: TFAP2A is on the minus strand). VCF-style: chr6-10406797-C-T. GRCh37 (hg19) VCF-style: chr6-10407030-C-T.
Other names: c.510G>A, p.Lys170= (NM_001032280.3); c.516G>A, p.Lys172= (NM_001042425.3).
Identifiers: ClinVar variation 1653858 (VCV001653858.10), dbSNP rs559183946, ClinGen allele CA134053775.